The following is an entry in ClinVar:

ClinVar aggregate classification (germline): Pathogenic (1 of 4 stars; one submission).

Conditions:
Intellectual disability, autosomal dominant 14 (CSS2). Also called: COFFIN-SIRIS SYNDROME 2. Identifiers: Orphanet 1465, MedGen C3553247, MONDO:0013819, OMIM 614607.

Submission:

Victorian Clinical Genetics Services, Murdoch Childrens Research Institute
Classification: Pathogenic for Intellectual disability, autosomal dominant 14. Last evaluated: 2023-07-17. Review status: criteria provided, single submitter. Criteria: ACMG Guidelines, 2015. Collection method: clinical testing. Allele origin: germline. Inheritance: Autosomal dominant inheritance.
Comment: Based on the classification scheme VCGS_Germline_v1.3.3, this variant is classified as Pathogenic. Following criteria are met: 0102 - Loss of function is a known mechanism of disease in this gene and is associated with Coffin-Siris syndrome (CSS) 2 (MIM#614607). (I) 0107 - This gene is associated with autosomal dominant disease. (I) 0201 - Variant is predicted to cause nonsense-mediated decay (NMD) and loss of protein (premature termination codon is located at least 54 nucleotides upstream of the final exon-exon junction). (SP) 0251 - This variant is heterozygous. (I) 0301 - Variant is absent from gnomAD (both v2 and v3). (SP) 0701 - Other NMD-predicted variants comparable to the one identified in this case have very strong previous evidence for pathogenicity and is well-reported in CSS patients (ClinVar, PMID: 22426308; 23929686) (SP) 0807 - This variant has no previous evidence of pathogenicity. (I) 0905 - No published segregation evidence has been identified for this variant. (I) 1007 - No published functional evidence has been identified for this variant. (I) 1208 - Inheritance information for this variant is not currently available in this individual. (I) Legend: (SP) - Supporting pathogenic, (I) - Information, (SB) - Supporting benign

Literature cited by the submitters: PubMed 22426308; PubMed 23929686.

NM_006015.6(ARID1A):c.961C>T (p.Gln321Ter)

Genes: ARID1A (AT-rich interaction domain 1A; plus strand), LOC129929837 (ATAC-STARR-seq lymphoblastoid silent region 489; plus strand). Cytogenetic location: 1p36.11.
Variant type: single nucleotide variant.
Coding change: c.961C>T on transcript NM_006015.6 (MANE Select); coding-DNA position 961, C replaced by T.
Protein change: p.Gln321Ter; replaces glutamine 321 with a stop codon.
Molecular consequence: nonsense.
Genome position (GRCh38, 1-based): chr1:26,697,364, C>T. VCF-style: chr1-26697364-C-T. GRCh37 (hg19) VCF-style: chr1-27023855-C-T.
Other names: c.961C>T, p.Gln321Ter (NM_139135.4); short protein forms Q321*.
Identifiers: ClinVar variation 3255192 (VCV003255192.1), dbSNP rs2525563601.